The following is an entry in ClinVar:

ClinVar aggregate classification (germline): Pathogenic/Likely pathogenic. Review status: criteria provided, multiple submitters, no conflicts (2 of 4 stars). 2 submissions from 2 submitters: Pathogenic (1); Likely pathogenic (1). Last evaluated 2022-06-12.

Conditions:
Mucolipidosis type II. Also called: ML II ALPHA/BETA; Mucolipidosis II Alpha/Beta; Mucolipidosis 2; ML 2; Inclusion cell disease; Leroy Disease. Identifiers: Orphanet 576, MedGen C2673377, MONDO:0009650, OMIM 252500.
Pseudo-Hurler polydystrophy. Also called: ML III; ML III ALPHA/BETA; Type III Mucolipidosis; MUCOLIPIDOSIS IIIA; ML IIIA; Mucolipidosis III Alpha/Beta. Identifiers: Orphanet 423461, Orphanet 577, MedGen C0033788, MONDO:0018931, OMIM 252600.

Submissions (2):

Labcorp Genetics (formerly Invitae), Labcorp
Classification: Pathogenic for Pseudo-Hurler polydystrophy; Mucolipidosis type II. Last evaluated: 2022-06-12. Review status: criteria provided, single submitter. Criteria: Invitae Variant Classification Sherloc (09022015). Collection method: clinical testing. Allele origin: germline.
Comment: This variant is not present in population databases (gnomAD no frequency). For these reasons, this variant has been classified as Pathogenic. This variant has not been reported in the literature in individuals affected with GNPTAB-related conditions. This sequence change creates a premature translational stop signal (p.Lys256*) in the GNPTAB gene. It is expected to result in an absent or disrupted protein product. Loss-of-function variants in GNPTAB are known to be pathogenic (PMID: 19617216, 25107912).

Juno Genomics, Hangzhou Juno Genomics, Inc
Classification: Likely pathogenic for Mucolipidosis type II; Pseudo-Hurler polydystrophy. Review status: criteria provided, single submitter. Criteria: ACMG Guidelines, 2015. Collection method: clinical testing. Allele origin: germline.
Comment: Null variant in a gene where loss of function (LOF) is a known mechanism of disease.;Absent from controls (or at extremely low frequency if recessive) in Genome Aggregation Database.

Literature cited by the submitters: PubMed 19617216 (cited by Labcorp Genetics (formerly Invitae), Labcorp); PubMed 25107912 (cited by Labcorp Genetics (formerly Invitae), Labcorp).

NM_024312.5(GNPTAB):c.766A>T (p.Lys256Ter)

Gene: GNPTAB (N-acetylglucosamine-1-phosphate transferase subunits alpha and beta; minus strand). Cytogenetic location: 12q23.2.
Variant type: single nucleotide variant.
Coding change: c.766A>T on transcript NM_024312.5 (MANE Select); coding-DNA position 766, A replaced by T.
Protein change: p.Lys256Ter; replaces lysine 256 with a stop codon.
Molecular consequence: nonsense.
Genome position (GRCh38, 1-based): chr12:101,780,157, T>A on the plus strand (A>T on the coding strand, the complement: GNPTAB is on the minus strand). VCF-style: chr12-101780157-T-A. GRCh37 (hg19) VCF-style: chr12-102173935-T-A.
Other names: short protein forms K256*.
Identifiers: ClinVar variation 2000681 (VCV002000681.6), dbSNP rs1288191896, ClinGen allele CA386304315.